The following is an entry in ClinVar:

NM_001386140.1(MTTP):c.22_23insCTGAA (p.Phe8fs)

Gene: MTTP (microsomal triglyceride transfer protein; plus strand). Cytogenetic location: 4q23.
Variant type: Insertion.
Coding change: c.22_23insCTGAA on transcript NM_001386140.1 (MANE Select); coding-DNA positions 22 to 23, CTGAA inserted.
Protein change: p.Phe8fs; shifts the reading frame from phenylalanine 8.
Molecular consequence: frameshift variant. On other transcripts: intron variant (1).
Genome position: GRCh38 VCF-style: chr4-99574931-T-TCTGAA. GRCh37 (hg19) VCF-style: chr4-100496088-T-TCTGAA.
Other names: c.22_23insCTGAA, p.Phe8fs (NM_000253.4); c.-188-6974_-188-6973insCTGAA (NM_001300785.2); short protein forms F8fs.
Identifiers: ClinVar variation 1724822 (VCV001724822.2), dbSNP rs2476074154, ClinGen allele CA2580071888.

ClinVar aggregate classification (germline): Likely pathogenic (1 of 4 stars; one submission).

Conditions:
Abetalipoproteinaemia (ABL). Also called: Abetalipoproteinemia; Abetalipoproteinemia neuropathy; Apolipoprotein B deficiency; Congenital betalipoprotein deficiency syndrome; MTP DEFICIENCY. Identifiers: Orphanet 14, MedGen C0000744, MONDO:0008692, OMIM 200100, HP:0008181.

Submission:

Myriad Genetics, Inc.
Classification: Likely pathogenic for Abetalipoproteinaemia. Last evaluated: 2022-02-28. Review status: criteria provided, single submitter. Criteria: Myriad Women's Health Autosomal Recessive and X-Linked Classification Criteria (2021). Collection method: clinical testing. Allele origin: unknown.
Comment: NM_000253.2(MTTP):c.22_23ins5(F8Sfs*23) is expected to be pathogenic in the context of abetalipoproteinemia. This variant is predicted to lead to an abnormal or absent protein product due to the creation of a premature termination codon in MTTP, a gene where loss-of-function variants are known to be pathogenic. Please note: this variant was assessed in the context of healthy population screening.